The following is an entry in ClinVar:

NM_000937.5(POLR2A):c.4786A>G (p.Thr1596Ala)

Gene: POLR2A (RNA polymerase II subunit A; plus strand). Cytogenetic location: 17p13.1.
Variant type: single nucleotide variant.
Coding change: c.4786A>G on transcript NM_000937.5 (MANE Select); coding-DNA position 4786, A replaced by G.
Protein change: p.Thr1596Ala; replaces threonine 1596 with alanine.
Molecular consequence: missense variant.
Genome position (GRCh38, 1-based): chr17:7,513,050, A>G. VCF-style: chr17-7513050-A-G. GRCh37 (hg19) VCF-style: chr17-7416369-A-G.
Other names: short protein forms T1596A.
Identifiers: ClinVar variation 3366048 (VCV003366048.1).

ClinVar aggregate classification (germline): Uncertain significance (1 of 4 stars; one submission).

Submission:

GeneDx
Classification: Uncertain significance. Last evaluated: 2023-11-10. Review status: criteria provided, single submitter. Criteria: GeneDx Variant Classification Process June 2021. Collection method: clinical testing. Allele origin: germline. Affected: yes.
Comment: Not observed at significant frequency in large population cohorts (gnomAD); In silico analysis supports that this missense variant has a deleterious effect on protein structure/function; Has not been previously published as pathogenic or benign to our knowledge